The following is an entry in ClinVar:

NM_020937.4(FANCM):c.5345G>A (p.Gly1782Asp)

Gene: FANCM (FA complementation group M; plus strand). Cytogenetic location: 14q21.2.
Variant type: single nucleotide variant.
Coding change: c.5345G>A on transcript NM_020937.4 (MANE Select); coding-DNA position 5345, G replaced by A.
Protein change: p.Gly1782Asp; replaces glycine 1782 with aspartic acid.
Molecular consequence: missense variant.
Genome position (GRCh38, 1-based): chr14:45,196,176, G>A. VCF-style: chr14-45196176-G-A. GRCh37 (hg19) VCF-style: chr14-45665379-G-A.
Other names: c.5267G>A, p.Gly1756Asp (NM_001308133.2); short protein forms G1756D, G1782D.
Identifiers: ClinVar variation 2428820 (VCV002428820.4), dbSNP rs2503268837, ClinGen allele CA389585464.

ClinVar aggregate classification (germline): Uncertain significance. Review status: criteria provided, multiple submitters, no conflicts (2 of 4 stars). 2 submissions from 2 submitters: Uncertain significance (2). Last evaluated 2025-07-02.

Conditions:
Fanconi anemia (FA). Also called: Fanconi's anemia. Identifiers: Orphanet 84, MedGen C0015625, MeSH D005199, MONDO:0019391.

Submissions (2):

Labcorp Genetics (formerly Invitae), Labcorp
Classification: Uncertain significance for Fanconi anemia. Last evaluated: 2025-07-02. Review status: criteria provided, single submitter. Criteria: Invitae Variant Classification Sherloc (09022015). Collection method: clinical testing. Allele origin: germline.
Comment: This sequence change replaces glycine, which is neutral and non-polar, with aspartic acid, which is acidic and polar, at codon 1782 of the FANCM protein (p.Gly1782Asp). This variant is not present in population databases (gnomAD no frequency). This variant has not been reported in the literature in individuals affected with FANCM-related conditions. ClinVar contains an entry for this variant (Variation ID: 2428820). An algorithm developed to predict the effect of missense changes on protein structure and function outputs the following: PolyPhen-2: "Benign". The aspartic acid amino acid residue is found in multiple mammalian species, which suggests that this missense change does not adversely affect protein function. In summary, the available evidence is currently insufficient to determine the role of this variant in disease. Therefore, it has been classified as a Variant of Uncertain Significance.

GeneDx
Classification: Uncertain significance. Last evaluated: 2022-08-03. Review status: criteria provided, single submitter. Criteria: GeneDx Variant Classification Process June 2021. Collection method: clinical testing. Allele origin: germline. Affected: yes.
Comment: Not observed at significant frequency in large population cohorts (gnomAD); In silico analysis supports that this missense variant does not alter protein structure/function; Has not been previously published as pathogenic or benign to our knowledge